The following is an entry in ClinVar:

ClinVar aggregate classification (germline): Uncertain significance (1 of 4 stars; one submission).

Conditions:
Hereditary cancer-predisposing syndrome. Also called: Neoplastic Syndromes, Hereditary; Tumor predisposition; Hereditary neoplastic syndrome; Hereditary Cancer Syndrome. Identifiers: Orphanet 140162, MedGen C0027672, MeSH D009386, MONDO:0015356.

Allele frequency attached by ClinVar (database versions not stated): gnomAD exomes below 0.00001.
gnomAD v4.1: 1 of 1,614,136 alleles (0.000062%); no homozygotes.

Submission:

Color Diagnostics, LLC DBA Color Health
Classification: Uncertain significance for Hereditary cancer-predisposing syndrome. Last evaluated: 2023-12-04. Review status: criteria provided, single submitter. Criteria: ACMG Guidelines, 2015. Collection method: clinical testing. Allele origin: germline.
Comment: This missense variant replaces glutamic acid with alanine at codon 1169 of the APC protein. Computational prediction is inconclusive regarding the impact of this variant on protein structure and function (internally defined REVEL score threshold 0.5 < inconclusive < 0.7, PMID: 27666373). To our knowledge, functional studies have not been reported for this variant. This variant has not been reported in individuals affected with APC-related disorders in the literature. This variant has not been identified in the general population by the Genome Aggregation Database (gnomAD). The available evidence is insufficient to determine the role of this variant in disease conclusively. Therefore, this variant is classified as a Variant of Uncertain Significance.

NM_000038.6(APC):c.3506A>C (p.Glu1169Ala)

Gene: APC (APC regulator of Wnt signaling pathway; plus strand). Cytogenetic location: 5q22.2.
Variant type: single nucleotide variant.
Coding change: c.3506A>C on transcript NM_000038.6 (MANE Select); coding-DNA position 3506, A replaced by C.
Protein change: p.Glu1169Ala; replaces glutamic acid 1169 with alanine.
Molecular consequence: missense variant.
Genome position (GRCh38, 1-based): chr5:112,839,100, A>C. VCF-style: chr5-112839100-A-C. GRCh37 (hg19) VCF-style: chr5-112174797-A-C.
Other names: c.3506A>C, p.Glu1169Ala (NM_001127510.3, NM_001354895.2); c.3452A>C, p.Glu1151Ala (NM_001127511.3); c.3560A>C, p.Glu1187Ala (NM_001354896.2); c.3536A>C, p.Glu1179Ala (NM_001354897.2); c.3431A>C, p.Glu1144Ala (NM_001354898.2); c.3422A>C, p.Glu1141Ala (NM_001354899.2); c.3383A>C, p.Glu1128Ala (NM_001354900.2); c.3329A>C, p.Glu1110Ala (NM_001354901.2); and 5 more; short protein forms E1169A, E1151A, E1043A, E1078A, E1144A, E1009A, E886A, E1068A.
Identifiers: ClinVar variation 629978 (VCV000629978.5), dbSNP rs1554085069, ClinGen allele CA16029033.